The following is an entry in ClinVar:

NM_005602.6(CLDN11):c.441T>G (p.Arg147=)

Gene: CLDN11 (claudin 11; plus strand). Cytogenetic location: 3q26.2.
Variant type: single nucleotide variant.
Coding change: c.441T>G on transcript NM_005602.6 (MANE Select); coding-DNA position 441, T replaced by G.
Protein change: p.Arg147=; no amino-acid change (arginine 147 retained).
Molecular consequence: synonymous variant.
Genome position (GRCh38, 1-based): chr3:170,432,573, T>G. VCF-style: chr3-170432573-T-G. GRCh37 (hg19) VCF-style: chr3-170150361-T-G.
Other names: c.189T>G, p.Arg63= (NM_001185056.2).
Identifiers: ClinVar variation 4281145 (VCV004281145.7).

ClinVar aggregate classification (germline): Likely benign (1 of 4 stars; one submission).

Submission:

CeGaT Center for Human Genetics Tuebingen
Classification: Likely benign. Last evaluated: 2025-09-01. Review status: criteria provided, single submitter. Criteria: CeGaT Center For Human Genetics Tuebingen Variant Classification Criteria Version 2. Collection method: clinical testing. Allele origin: germline. Affected: yes. Observed: 1 variant allele.
Comment: CLDN11: BP4, BP7